The following is an entry in ClinVar:

ClinVar aggregate classification (germline): Pathogenic. Review status: criteria provided, multiple submitters, no conflicts (2 of 4 stars). 14 submissions from 11 submitters: Pathogenic (9). 5 of the submissions do not count toward it. Last evaluated 2026-01-29.

Conditions:
GLB1-related disorder. Also called: GLB1-related disorders. Identifiers: MedGen CN377807.
Inborn genetic diseases. Identifiers: MedGen C0950123, MeSH D030342.
GM1 gangliosidosis. Identifiers: Orphanet 354, MedGen C0085131, MONDO:0018149.
Infantile GM1 gangliosidosis. Also called: GM1-gangliosidosis, type I; Gangliosidosis, generalized GM1, infantile form; GLB1 deficiency; Gangliosidosis, Generalized GM1, Type 1; GM1 gangliosidosis type 1. Identifiers: Orphanet 354, Orphanet 79255, MedGen C0268271, MONDO:0009260, OMIM 230500.
Mucopolysaccharidosis, MPS-IV-B (MPS4B). Also called: Mucopolysaccharidosis Type IVB (Morquio B Disease); Mucopolysaccharidosis type IVB (Morquio); MPS IVB; MORQUIO SYNDROME B; Mucopolysaccharidosis type 4B; Mucopolysaccharidosis type IV B. Identifiers: Orphanet 309310, Orphanet 582, MedGen C0086652, MONDO:0009660, OMIM 253010.
GM1 gangliosidosis type 3. Also called: GM1-GANGLIOSIDOSIS, TYPE III; GANGLIOSIDOSIS, GENERALIZED GM1, ADULT TYPE; GANGLIOSIDOSIS, GENERALIZED GM1, CHRONIC TYPE; GANGLIOSIDOSIS, GENERALIZED GM1, TYPE III; Gangliosidosis, Generalized GM1, Type 3; Beta-galactosidase deficiency. Identifiers: Orphanet 79257, MedGen C0268273, MONDO:0009262, OMIM 230650.
GM1 gangliosidosis type 2. Also called: GM1-GANGLIOSIDOSIS, TYPE II; Juvenile GM>1< gangliosidosis; GANGLIOSIDOSIS, GENERALIZED GM1, JUVENILE TYPE; GANGLIOSIDOSIS, GENERALIZED GM1, TYPE II; Gangliosidosis, Generalized GM1, Type 2. Identifiers: Orphanet 354, Orphanet 79256, MedGen C0268272, MONDO:0009261, OMIM 230600.

Allele frequency attached by ClinVar (database versions not stated): gnomAD exomes 0.00001 and 0.00004; ExAC 0.00006; gnomAD 0.00012 and 0.00013; TOPMed 0.00015; 1000 Genomes Project 0.00040; 1000 Genomes Project 30x 0.00047.
gnomAD v4.1: 41 of 1,614,086 alleles (0.0025%); highest among the groups gnomAD compares: Admixed American, 0.028%; no homozygotes.

Submissions (14):

Natera, Inc.
Classification: Pathogenic for Mucopolysaccharidosis, MPS-IV-B. Last evaluated: 2026-01-29. Review status: criteria provided, single submitter. Criteria: Natera Variant Classification Schema (03/2026). Collection method: clinical testing. Allele origin: germline.
Comment: The c.622C>T variant in GLB1 is a missense variant predicted to cause substitution of arginine to cysteine at amino acid 208. This variant is rare in the general population with a frequency below the threshold expected for the associated phenotype(s). This variant has been observed in one or more individuals affected with the associated recessive disease, as either homozygous or compound heterozygous with a second variant (PMID: 20175788, 17309651). Additionally, this variant has been observed to segregate in affected family members (PMID: 17309651). Computational prediction algorithms indicate this variant is likely to affect gene or protein function. Given the available evidence, this variant is classified as Pathogenic.

Labcorp Genetics (formerly Invitae), Labcorp
Classification: Pathogenic for Mucopolysaccharidosis, MPS-IV-B; GM1 gangliosidosis. Last evaluated: 2025-11-18. Review status: criteria provided, single submitter. Criteria: Invitae Variant Classification Sherloc (09022015). Collection method: clinical testing. Allele origin: germline.
Comment: This sequence change replaces arginine, which is basic and polar, with cysteine, which is neutral and slightly polar, at codon 208 of the GLB1 protein (p.Arg208Cys). This variant is present in population databases (rs72555366, gnomAD 0.02%). This missense change has been observed in individuals with GM1-gangliosidosis (PMID: 8213816, 10338095, 15714521, 17309651). ClinVar contains an entry for this variant (Variation ID: 939). Invitae Evidence Modeling of protein sequence and biophysical properties (such as structural, functional, and spatial information, amino acid conservation, physicochemical variation, residue mobility, and thermodynamic stability) indicates that this missense variant is expected to disrupt GLB1 protein function with a positive predictive value of 95%. Experimental studies have shown that this missense change affects GLB1 function (PMID: 8213816, 15714521, 23337983). For these reasons, this variant has been classified as Pathogenic.

Ambry Genetics
Classification: Pathogenic for Inborn genetic diseases. Last evaluated: 2025-10-24. Review status: criteria provided, single submitter. Criteria: Ambry Variant Classification Scheme 2023. Collection method: clinical testing. Allele origin: germline.
Comment: The c.622C>T (p.R208C) alteration is located in exon 6 (coding exon 6) of the GLB1 gene. This alteration results from a C to T substitution at nucleotide position 622, causing the arginine (R) at amino acid position 208 to be replaced by a cysteine (C). Based on data from gnomAD, the T allele has an overall frequency of <0.01% (11/249146) total alleles studied. This variant has been reported in the homozygous state and confirmed or presumed in trans with a second GLB1 variant in patients with GM1-gangliosidosis (Boustany, 1993; Silva, 1999; Caciotti, 2005; Santamaria, 2007; Arash-Kaps, 2019). This amino acid position is not well conserved in available vertebrate species. In vitro studies demonstrated that this variant abolished catalytic activity of the beta-galactosidase protein in transfected COS-1 cells (Boustany, 1993). This alteration is predicted to be deleterious by in silico analysis. Based on the available evidence, this alteration is classified as pathogenic.

Fulgent Genetics
Classification: Pathogenic for Infantile GM1 gangliosidosis; GM1 gangliosidosis type 2; GM1 gangliosidosis type 3; Mucopolysaccharidosis, MPS-IV-B. Last evaluated: 2024-05-16. Review status: criteria provided, single submitter. Criteria: ACMG Guidelines, 2015. Collection method: clinical testing. Allele origin: germline.

GeneDx
Classification: Pathogenic. Last evaluated: 2022-02-16. Review status: criteria provided, single submitter. Criteria: GeneDx Variant Classification Process June 2021. Collection method: clinical testing. Allele origin: germline. Affected: yes.
Comment: Published functional studies demonstrate that the R208C variant abolishes the catalytic activity of the -galactosidase enzyme (Boustany et al., 1993); In silico analysis supports that this missense variant has a deleterious effect on protein structure/function; This variant is associated with the following publications: (PMID: 28703315, 22128166, 29451896, 8213816, 8652017, 20175788, 15714521, 10571006, 23046582, 17309651, 23337983, 31761138, 32219895, 31905715, 10338095)

Blueprint Genetics
Classification: Pathogenic for GLB1-related disorders. Last evaluated: 2021-06-18. Review status: criteria provided, single submitter. Criteria: ACMG Guidelines, 2015. Collection method: clinical testing. Allele origin: germline. Affected: yes. Observed: 4 variant alleles.

Revvity Omics, Revvity
Classification: Pathogenic. Last evaluated: 2020-12-15. Review status: criteria provided, single submitter. Criteria: ACMG Guidelines, 2015. Collection method: clinical testing. Allele origin: germline.

Women's Health and Genetics/Laboratory Corporation of America, LabCorp
Classification: Pathogenic for GM1 gangliosidosis. Last evaluated: 2017-05-02. Review status: criteria provided, single submitter. Criteria: LabCorp Variant Classification Summary - May 2015. Collection method: clinical testing. Allele origin: germline.
Comment: Variant summary: The GLB1 c.622C>T (p.Arg208Cys) variant involves the alteration of a conserved nucleotide and 4/4 in silico tools (SNPsandGO not captured due to low reliability index) predict a damaging outcome. This variant was found in 7/120010 control chromosomes at a frequency of 0.0000583, which does not exceed the estimated maximal expected allele frequency of a pathogenic GLB1 variant (0.0020412). Multiple publications have cited the variant in affected individuals as homozygotes and compound heterozygotes, and observed little to no enzymatic activity. In addition, multiple clinical diagnostic laboratories/reputable databases classified this variant as pathogenic. Taken together, this variant is classified as pathogenic.

Eurofins Ntd Llc (ga)
Classification: Pathogenic. Last evaluated: 2013-12-06. Review status: criteria provided, single submitter. Criteria: EGL Classification Definitions. Collection method: clinical testing. Allele origin: germline. Observed: 10 variant alleles, 7 heterozygotes, 3 homozygotes.

Counsyl
Classification: Pathogenic for Infantile GM1 gangliosidosis. Last evaluated: 2017-02-03. Review status: no assertion criteria provided. Collection method: clinical testing. Allele origin: unknown. Not counted in ClinVar's aggregate classification.

Counsyl
Classification: Pathogenic for GM1 gangliosidosis type 2. Last evaluated: 2017-02-03. Review status: no assertion criteria provided. Collection method: clinical testing. Allele origin: unknown. Not counted in ClinVar's aggregate classification.

Counsyl
Classification: Pathogenic for GM1 gangliosidosis type 3. Last evaluated: 2017-02-03. Review status: no assertion criteria provided. Collection method: clinical testing. Allele origin: unknown. Not counted in ClinVar's aggregate classification.

Counsyl
Classification: Pathogenic for Mucopolysaccharidosis, MPS-IV-B. Last evaluated: 2017-02-03. Review status: no assertion criteria provided. Collection method: clinical testing. Allele origin: unknown. Not counted in ClinVar's aggregate classification.

OMIM
Classification: Pathogenic for GM1-GANGLIOSIDOSIS, TYPE I. Last evaluated: 1996-01-01. Review status: no assertion criteria provided. Collection method: literature only. Allele origin: germline. Not counted in ClinVar's aggregate classification.

Literature cited by the submitters: PubMed 20175788 (cited by Natera, Inc.); PubMed 17309651 (cited by 5 submitters); PubMed 8213816 (cited by 5 submitters); PubMed 10338095 (cited by 3 submitters); PubMed 15714521 (cited by 3 submitters); PubMed 23337983 (cited by Labcorp Genetics (formerly Invitae), Labcorp); PubMed 31761138 (cited by Ambry Genetics); PubMed 22128166 (cited by Counsyl); PubMed 8652017 (cited by OMIM).

NM_000404.4(GLB1):c.622C>T (p.Arg208Cys)

Gene: GLB1 (galactosidase beta 1; minus strand). Cytogenetic location: 3p22.3.
Variant type: single nucleotide variant.
Coding change: c.622C>T on transcript NM_000404.4 (MANE Select); coding-DNA position 622, C replaced by T.
Protein change: p.Arg208Cys; replaces arginine 208 with cysteine.
Molecular consequence: missense variant. On other transcripts: intron variant (1).
Genome position (GRCh38, 1-based): chr3:33,058,200, G>A on the plus strand (C>T on the coding strand, the complement: GLB1 is on the minus strand). VCF-style: chr3-33058200-G-A. GRCh37 (hg19) VCF-style: chr3-33099692-G-A.
Other names: c.532C>T, p.Arg178Cys (NM_001079811.3); c.766C>T, p.Arg256Cys (NM_001317040.2); c.622C>T, p.Arg208Cys (NM_001393580.1); c.341-4651C>T (NM_001135602.3); c.622C>T (NM_000404.3); short protein forms R208C, R178C, R256C.
Identifiers: ClinVar variation 939 (VCV000000939.30), dbSNP rs72555366, ClinGen allele CA114654.